The following is an entry in ClinVar:

NM_001354604.2(MITF):c.105-12832T>C

Gene: MITF (melanocyte inducing transcription factor; plus strand). Cytogenetic location: 3p13.
Variant type: single nucleotide variant.
Coding change: c.105-12832T>C on transcript NM_001354604.2 (MANE Select); 12832 bases into the intron before coding-DNA position 105, T replaced by C.
Molecular consequence: intron variant. On other transcripts: synonymous variant (1).
Genome position (GRCh38, 1-based): chr3:69,866,302, T>C. VCF-style: chr3-69866302-T-C. GRCh37 (hg19) VCF-style: chr3-69915453-T-C.
Other names: c.12T>C, p.Leu4= (NM_198177.3); c.54-12832T>C (NM_001354607.2); c.-52-12832T>C (NM_001354608.2, NM_001184967.2); c.105-12832T>C (NM_198159.3); c.105-12835T>C (NM_001354605.2, NM_001354606.2); c.102-12832T>C (NM_006722.3).
Identifiers: ClinVar variation 3048546 (VCV003048546.2), dbSNP rs567805824, ClinGen allele CA2490213.

ClinVar aggregate classification (germline): Likely benign (0 of 4 stars; one submission).

Conditions:
MITF-related disorder. Also called: MITF-related condition.

Allele frequency attached by ClinVar (database versions not stated): TOPMed 0.00001; gnomAD 0.00003; gnomAD exomes 0.00003; ExAC 0.00010; 1000 Genomes Project 30x 0.00016; 1000 Genomes Project 0.00020.
gnomAD v4.1: 41 of 1,613,778 alleles (0.0025%); highest among the groups gnomAD compares: South Asian, 0.044%; no homozygotes.

Submission:

PreventionGenetics, part of Exact Sciences
Classification: Likely benign for MITF-related condition. Last evaluated: 2019-12-09. Review status: no assertion criteria provided. Collection method: clinical testing. Allele origin: germline.
Comment: This variant is classified as likely benign based on ACMG/AMP sequence variant interpretation guidelines (Richards et al. 2015 PMID: 25741868, with internal and published modifications).